The following is an entry in ClinVar:

ClinVar aggregate classification (germline): Likely benign (1 of 4 stars; one submission).

Allele frequency attached by ClinVar (database versions not stated): ESP Exome Variant Server 0.00041; TOPMed 0.00233; gnomAD 0.00288; ExAC 0.00332; gnomAD exomes 0.00383; 1000 Genomes Project 30x 0.00484; 1000 Genomes Project 0.00539.
gnomAD v4.1: 5,991 of 1,609,546 alleles (0.37%); highest among the groups gnomAD compares: South Asian, 0.71%; 16 homozygotes.

Submission:

CeGaT Center for Human Genetics Tuebingen
Classification: Likely benign. Last evaluated: 2023-03-01. Review status: criteria provided, single submitter. Criteria: CeGaT Center For Human Genetics Tuebingen Variant Classification Criteria Version 2. Collection method: clinical testing. Allele origin: germline. Affected: yes. Observed: 2 variant alleles.
Comment: ANXA6: BP4, BS2

NM_001155.5(ANXA6):c.319-6C>T

Gene: ANXA6 (annexin A6; minus strand). Cytogenetic location: 5q33.1.
Variant type: single nucleotide variant.
Coding change: c.319-6C>T on transcript NM_001155.5 (MANE Select); 6 bases into the intron before coding-DNA position 319, C replaced by T.
Molecular consequence: intron variant.
Genome position (GRCh38, 1-based): chr5:151,137,327, G>A on the plus strand (C>T on the coding strand, the complement: ANXA6 is on the minus strand). VCF-style: chr5-151137327-G-A. GRCh37 (hg19) VCF-style: chr5-150516888-G-A.
Other names: c.223-6C>T (NM_001193544.2); c.319-6C>T (NM_001363114.2).
Identifiers: ClinVar variation 2655943 (VCV002655943.24), dbSNP rs115013290, ClinGen allele CA3517200.
Genomic context (GRCh38, chr5:151,137,327, plus strand): 5'-CATTGGTCCGGGAAGCCAAGATCTCAATGAGGCACTTCTCATCAGTGCCAATGCCCTGGG[G>A]GTAGAAAAAGAGCGCATGAATTAAGGGCAGGGATGGGAGGTCACTGGACACAGGTTGGGA-3'